The following is an entry in ClinVar:

NM_000361.3(THBD):c.844G>C (p.Ala282Pro)

Gene: THBD (thrombomodulin; minus strand). Cytogenetic location: 20p11.21.
Variant type: single nucleotide variant.
Coding change: c.844G>C on transcript NM_000361.3 (MANE Select); coding-DNA position 844, G replaced by C.
Protein change: p.Ala282Pro; replaces alanine 282 with proline.
Molecular consequence: missense variant.
Genome position (GRCh38, 1-based): chr20:23,048,661, C>G on the plus strand (G>C on the coding strand, the complement: THBD is on the minus strand). VCF-style: chr20-23048661-C-G. GRCh37 (hg19) VCF-style: chr20-23029298-C-G.
Other names: short protein forms A282P.
Identifiers: ClinVar variation 2572117 (VCV002572117.6), dbSNP rs771123665, ClinGen allele CA9787686.

ClinVar aggregate classification (germline): Conflicting classifications of pathogenicity. Review status: criteria provided, conflicting classifications (1 of 4 stars). 4 submissions from 4 submitters: Uncertain significance (3); Likely benign (1). Last evaluated 2026-09-17.

Conditions:
Thrombomodulin-related bleeding disorder (THPH12). Also called: Thrombophilia due to thrombomodulin defect. Identifiers: Orphanet 436169, MedGen C3280976, MONDO:0013775, OMIM 614486.

Allele frequency attached by ClinVar (database versions not stated): ExAC 0.00001; gnomAD 0.00002.
gnomAD v4.1: 97 of 1,591,436 alleles (0.0061%); highest among the groups gnomAD compares: Non-Finnish European, 0.0073%; no homozygotes.

Submissions (4):

Genomenon, Inc
Classification: Uncertain significance for Thrombomodulin-related bleeding disorder. Last evaluated: 2026-09-17. Review status: criteria provided, single submitter. Criteria: Genomenon Sequence Variant Interpretation Standards - Updated. Collection method: curation. Allele origin: germline. Affected: no.
Comment: THBD p.Ala282Pro (c.844G>C) is a missense variant that changes the amino acid at codon 282 from alanine to proline. This variant has been reported in the published literature (PMID:40272857;39841007). It is absent or not present at a significant frequency in gnomAD. In silico models predict that this variant is not damaging. In conclusion, we classify THBD p.Ala282Pro (c.844G>C) as a variant of uncertain significance.

Women's Health and Genetics/Laboratory Corporation of America, LabCorp
Classification: Likely benign. Last evaluated: 2026-03-02. Review status: criteria provided, single submitter. Criteria: LabCorp Variant Classification Summary - May 2015. Collection method: clinical testing. Allele origin: germline.
Comment: Variant summary: THBD c.844G>C (p.Ala282Pro) results in a non-conservative amino acid change in the encoded protein sequence. Algorithms developed to predict the effect of missense changes on protein structure and function are either unavailable or do not agree on the potential impact of this missense change. The variant allele was found at a frequency of 6.1e-05 in 1584458 control chromosomes (gnomAD). The observed variant frequency exceeds the estimated maximal expected allele frequency for disease-causing variants in THBD. The variant has been reported in the literature in a family in individuals affected with venous thromboembolism (VTE) and atypical hemolytic uremic syndrome (aHUS), however it was also found in an unaffected parent (e.g. Verstraete_2025, Van Laer_2025). One of these reports also performed functional evaluation of the variant protein, and found no difference from the wild-type in the coagulation related functions of THBD (Van Laer_2025). In addition, sequence comparison with other vertebrate species indicates that the variant is located to a moderately conserved region, and the Ala to Pro substitution at this codon is phylogenetically not constrained (e.g. PMID 29358731). The following publications have been ascertained in the context of this evaluation (PMID: 39800257, 39841007, 40272857, 41613109). ClinVar contains an entry for this variant (Variation ID: 2572117). Based on the evidence outlined above, the variant was classified as likely benign.

Labcorp Genetics (formerly Invitae), Labcorp
Classification: Uncertain significance. Last evaluated: 2023-10-19. Review status: criteria provided, single submitter. Criteria: Invitae Variant Classification Sherloc (09022015). Collection method: clinical testing. Allele origin: germline.
Comment: This sequence change replaces alanine, which is neutral and non-polar, with proline, which is neutral and non-polar, at codon 282 of the THBD protein (p.Ala282Pro). This variant is present in population databases (rs771123665, gnomAD 0.005%). This variant has not been reported in the literature in individuals affected with THBD-related conditions. ClinVar contains an entry for this variant (Variation ID: 2572117). Advanced modeling of protein sequence and biophysical properties (such as structural, functional, and spatial information, amino acid conservation, physicochemical variation, residue mobility, and thermodynamic stability) performed at Invitae indicates that this missense variant is not expected to disrupt THBD protein function. In summary, the available evidence is currently insufficient to determine the role of this variant in disease. Therefore, it has been classified as a Variant of Uncertain Significance.

ISTH-SSC Genomics in Thrombosis and Hemostasis, KU Leuven, Center for Molecular and Vascular Biology
Classification: Uncertain significance for Thrombomodulin-related bleeding disorder. Review status: criteria provided, single submitter. Criteria: ACMG Guidelines, 2015. Collection method: clinical testing. Allele origin: germline. Affected: yes. Observed: 1 heterozygote.
Comment: Submitted to the GoldVariant database by Kathleen Freson, Center for Molecular and Vascular Biology

Literature cited by the submitters: PubMed 40272857 (cited by Genomenon, Inc and Women's Health and Genetics/Laboratory Corporation of America, LabCorp); PubMed 39841007 (cited by Genomenon, Inc and Women's Health and Genetics/Laboratory Corporation of America, LabCorp); PubMed 41613109 (cited by Women's Health and Genetics/Laboratory Corporation of America, LabCorp); PubMed 39800257 (cited by Women's Health and Genetics/Laboratory Corporation of America, LabCorp).